The following is an entry in ClinVar:

ClinVar aggregate classification (germline): Likely pathogenic (1 of 4 stars; one submission).

Conditions:
Dilated cardiomyopathy 1G (CMD1G). Identifiers: Orphanet 154, MedGen C1858763, MONDO:0011400, OMIM 604145.
Autosomal recessive limb-girdle muscular dystrophy type 2J (LGMDR10). Also called: Limb-girdle muscular dystrophy, type 2J; MUSCULAR DYSTROPHY, LIMB-GIRDLE, AUTOSOMAL RECESSIVE 10. Identifiers: Orphanet 140922, MedGen C1837342, MONDO:0012127, OMIM 608807.

Submission:

Labcorp Genetics (formerly Invitae), Labcorp
Classification: Likely pathogenic for Dilated cardiomyopathy 1G; Autosomal recessive limb-girdle muscular dystrophy type 2J. Last evaluated: 2025-03-26. Review status: criteria provided, single submitter. Criteria: Invitae Variant Classification Sherloc (09022015). Collection method: clinical testing. Allele origin: germline.
Comment: This sequence change creates a premature translational stop signal (p.Gln18373*) in the TTN gene. While this is not anticipated to result in nonsense mediated decay, it is expected to create a truncated TTN protein. This variant is not present in population databases (gnomAD no frequency). This variant has not been reported in the literature in individuals affected with TTN-related conditions. ClinVar contains an entry for this variant (Variation ID: 950563). This variant is located in the A band of TTN (PMID: 25589632). Truncating variants in this region are significantly overrepresented in patients affected with dilated cardiomyopathy (PMID: 25589632). Truncating variants in this region have also been reported in individuals affected with autosomal recessive centronuclear myopathy (PMID: 23975875). In summary, the currently available evidence indicates that the variant is pathogenic, but additional data are needed to prove that conclusively. Therefore, this variant has been classified as Likely Pathogenic.

Literature cited by the submitters: PubMed 25589632; PubMed 23975875.

NM_001267550.2(TTN):c.55117C>T (p.Gln18373Ter)

Genes: TTN-AS1 (TTN antisense RNA 1; plus strand), TTN (titin; minus strand). Cytogenetic location: 2q31.2.
Variant type: single nucleotide variant.
Coding change: c.55117C>T on transcript NM_001267550.2 (MANE Select); coding-DNA position 55117, C replaced by T.
Protein change: p.Gln18373Ter; replaces glutamine 18373 with a stop codon.
Molecular consequence: nonsense.
Genome position (GRCh38, 1-based): chr2:178,602,285, G>A on the plus strand (C>T on the coding strand, the complement: TTN is on the minus strand). VCF-style: chr2-178602285-G-A. GRCh37 (hg19) VCF-style: chr2-179467012-G-A.
Other names: c.50194C>T, p.Gln16732Ter (NM_001256850.1); c.27922C>T, p.Gln9308Ter (NM_003319.4); c.47413C>T, p.Gln15805Ter (NM_133378.4); c.28297C>T, p.Gln9433Ter (NM_133432.3); c.28498C>T, p.Gln9500Ter (NM_133437.4); short protein forms Q9308*, Q9433*, Q9500*, Q18373*, Q15805*, Q16732*.
Identifiers: ClinVar variation 950563 (VCV000950563.10), dbSNP rs2053658622, ClinGen allele CA349544678.